The following is an entry in ClinVar:

NM_172107.4(KCNQ2):c.2285G>A (p.Ser762Asn)

Gene: KCNQ2 (potassium voltage-gated channel subfamily Q member 2; minus strand). Cytogenetic location: 20q13.33.
Variant type: single nucleotide variant.
Coding change: c.2285G>A on transcript NM_172107.4 (MANE Select); coding-DNA position 2285, G replaced by A.
Protein change: p.Ser762Asn; replaces serine 762 with asparagine.
Molecular consequence: missense variant.
Genome position (GRCh38, 1-based): chr20:63,406,978, C>T on the plus strand (G>A on the coding strand, the complement: KCNQ2 is on the minus strand). VCF-style: chr20-63406978-C-T. GRCh37 (hg19) VCF-style: chr20-62038331-C-T.
Other names: c.2339G>A, p.Ser780Asn (NM_001382235.1); c.2201G>A, p.Ser734Asn (NM_004518.6); c.2231G>A, p.Ser744Asn (NM_172106.3); c.2192G>A, p.Ser731Asn (NM_172108.5); short protein forms S762N, S731N, S744N, S780N, S734N.
Identifiers: ClinVar variation 2845702 (VCV002845702.3), dbSNP rs2516097279, ClinGen allele CA409638020.

ClinVar aggregate classification (germline): Uncertain significance (1 of 4 stars; one submission).

Conditions:
Early-infantile DEE. Also called: Early infantile epileptic encephalopathy; Early infantile epileptic encephalopathy with suppression bursts; Ohtahara syndrome. Identifiers: Orphanet 1934, MedGen C0393706, MONDO:0800491.

Allele frequency attached by ClinVar (database versions not stated): gnomAD exomes below 0.00001.
gnomAD v4.1: 1 of 1,535,666 alleles (0.000065%); highest among the groups gnomAD compares: African/African-American, 0.0014%; no homozygotes.

Submission:

Labcorp Genetics (formerly Invitae), Labcorp
Classification: Uncertain significance for Early-infantile DEE. Last evaluated: 2023-03-14. Review status: criteria provided, single submitter. Criteria: Invitae Variant Classification Sherloc (09022015). Collection method: clinical testing. Allele origin: germline.
Comment: In summary, the available evidence is currently insufficient to determine the role of this variant in disease. Therefore, it has been classified as a Variant of Uncertain Significance. An algorithm developed to predict the effect of missense changes on protein structure and function (PolyPhen-2) suggests that this variant is likely to be tolerated. This variant has not been reported in the literature in individuals affected with KCNQ2-related conditions. This variant is not present in population databases (gnomAD no frequency). This sequence change replaces serine, which is neutral and polar, with asparagine, which is neutral and polar, at codon 762 of the KCNQ2 protein (p.Ser762Asn).